The following is an entry in ClinVar:

ClinVar aggregate classification (germline): Pathogenic. Review status: criteria provided, multiple submitters, no conflicts (2 of 4 stars). 2 submissions from 2 submitters: Pathogenic (2). Last evaluated 2023-07-17.
ClinVar aggregate classification (oncogenicity): Likely oncogenic (1 of 4 stars; one submission).

Conditions:
Oligodontia-cancer predisposition syndrome. Also called: TOOTH AGENESIS-COLORECTAL CANCER SYNDROME. Identifiers: Orphanet 300576, MedGen C1837750, MONDO:0012075, OMIM 608615. Disease mechanism: loss of function.
Neoplasm. Also called: Neoplasms; Neoplasm (disease); tumor. Identifiers: MedGen C0027651, MeSH D009369, MONDO:0005070, HP:0002664.

Submissions (3):

Center for Genomic Medicine, Rigshospitalet, Copenhagen University Hospital
Classification: Likely oncogenic for Neoplasm. Last evaluated: 2026-10-16. Review status: criteria provided, single submitter. Criteria: ClinGen/CGC/VICC Guidelines for Oncogenicity, 2022. Collection method: clinical testing. Allele origin: somatic. Affected: yes.

Labcorp Genetics (formerly Invitae), Labcorp
Classification: Pathogenic for Oligodontia-cancer predisposition syndrome. Last evaluated: 2023-07-17. Review status: criteria provided, single submitter. Criteria: Invitae Variant Classification Sherloc (09022015). Collection method: clinical testing. Allele origin: germline.
Comment: ClinVar contains an entry for this variant (Variation ID: 577956). For these reasons, this variant has been classified as Pathogenic. This variant has not been reported in the literature in individuals affected with AXIN2-related conditions. This variant is not present in population databases (gnomAD no frequency). This sequence change creates a premature translational stop signal (p.Trp78*) in the AXIN2 gene. It is expected to result in an absent or disrupted protein product. Loss-of-function variants in AXIN2 are known to be pathogenic (PMID: 15042511, 21416598).

Myriad Genetics, Inc.
Classification: Pathogenic for Oligodontia-cancer predisposition syndrome. Last evaluated: 2023-05-17. Review status: criteria provided, single submitter. Criteria: Myriad Autosomal Dominant, Autosomal Recessive and X-Linked Classification Criteria (2023). Collection method: clinical testing. Allele origin: unknown.
Comment: This variant is considered pathogenic. This variant creates a termination codon and is predicted to result in premature protein truncation.

Literature cited by the submitters: PubMed 15042511 (cited by Labcorp Genetics (formerly Invitae), Labcorp); PubMed 21416598 (cited by Labcorp Genetics (formerly Invitae), Labcorp).

NM_004655.4(AXIN2):c.234G>A (p.Trp78Ter)

Gene: AXIN2 (axin 2; minus strand). Cytogenetic location: 17q24.1.
Variant type: single nucleotide variant.
Coding change: c.234G>A on transcript NM_004655.4 (MANE Select); coding-DNA position 234, G replaced by A.
Protein change: p.Trp78Ter; replaces tryptophan 78 with a stop codon.
Molecular consequence: nonsense.
Genome position (GRCh38, 1-based): chr17:65,558,387, C>T on the plus strand (G>A on the coding strand, the complement: AXIN2 is on the minus strand). VCF-style: chr17-65558387-C-T. GRCh37 (hg19) VCF-style: chr17-63554505-C-T.
Other names: c.234G>A (LRG_296t1); c.234G>A, p.Trp78Ter (NM_001363813.1); short protein forms W78*.
Identifiers: ClinVar variation 577956 (VCV000577956.9), dbSNP rs1567769335, ClinGen allele CA400681848.
Genomic context (GRCh38, chr17:65,558,387, plus strand): 5'-GAAAGTTCGGAACAGGTAAGCACCGTCTTGATCGCCCAATAAGGAGTGTAAGGACTTGGT[C>T]CACCGGGTCAGAGGGGAATCCGGAGATGCCCGCCCCTCCGGCTCCCCCAACCCATCTTCG-3'